The following is an entry in ClinVar:

ClinVar aggregate classification (germline): Likely benign. Review status: criteria provided, multiple submitters, no conflicts (2 of 4 stars). 5 submissions from 5 submitters: Likely benign (4). 1 of the submissions does not count toward it. Last evaluated 2026-07-01.

Conditions:
FMN2-related disorder. Also called: FMN2-related condition.

Allele frequency attached by ClinVar (database versions not stated): 1000 Genomes Project 0.00060; ESP Exome Variant Server 0.00062; gnomAD exomes 0.00071; 1000 Genomes Project 30x 0.00078; gnomAD 0.00091; TOPMed 0.00113.
gnomAD v4.1: 1,195 of 1,609,756 alleles (0.074%); highest among the groups gnomAD compares: Admixed American, 0.23%; 1 homozygote.

Submissions (5):

CeGaT Center for Human Genetics Tuebingen
Classification: Likely benign. Last evaluated: 2026-07-01. Review status: criteria provided, single submitter. Criteria: CeGaT Center For Human Genetics Tuebingen Variant Classification Criteria Version 2. Collection method: clinical testing. Allele origin: germline. Affected: yes. Observed: 6 variant alleles.
Comment: FMN2: BP4, BP7

Labcorp Genetics (formerly Invitae), Labcorp
Classification: Likely benign. Last evaluated: 2018-12-18. Review status: criteria provided, single submitter. Criteria: Invitae Variant Classification Sherloc (09022015). Collection method: clinical testing. Allele origin: germline.

Genetic Services Laboratory, University of Chicago
Classification: Likely benign. Last evaluated: 2015-11-11. Review status: criteria provided, single submitter. Criteria: ACMG Guidelines, 2015. Collection method: clinical testing. Allele origin: germline. Affected: no.

Breakthrough Genomics
Classification: Likely benign. Review status: criteria provided, single submitter. Criteria: ACMG Guidelines, 2015. Collection method: not provided. Allele origin: germline. Inheritance: Autosomal recessive inheritance. Affected: yes.

PreventionGenetics, part of Exact Sciences
Classification: Likely benign for FMN2-related condition. Last evaluated: 2022-07-29. Review status: no assertion criteria provided. Collection method: clinical testing. Allele origin: germline. Not counted in ClinVar's aggregate classification.
Comment: This variant is classified as likely benign based on ACMG/AMP sequence variant interpretation guidelines (Richards et al. 2015 PMID: 25741868, with internal and published modifications).

NM_020066.5(FMN2):c.1896C>T (p.Pro632=)

Gene: FMN2 (formin 2; plus strand). Cytogenetic location: 1q43.
Variant type: single nucleotide variant.
Coding change: c.1896C>T on transcript NM_020066.5 (MANE Select); coding-DNA position 1896, C replaced by T.
Protein change: p.Pro632=; no amino-acid change (proline 632 retained).
Molecular consequence: synonymous variant.
Genome position (GRCh38, 1-based): chr1:240,178,034, C>T. VCF-style: chr1-240178034-C-T. GRCh37 (hg19) VCF-style: chr1-240341334-C-T.
Other names: c.1896C>T, p.Pro632= (NM_001305424.2, NM_001348094.2).
Identifiers: ClinVar variation 435226 (VCV000435226.35), dbSNP rs141897898, ClinGen allele CA1476444.